The following is an entry in ClinVar:

NM_000038.6(APC):c.2114G>C (p.Ser705Thr)

Gene: APC (APC regulator of Wnt signaling pathway; plus strand). Cytogenetic location: 5q22.2.
Variant type: single nucleotide variant.
Coding change: c.2114G>C on transcript NM_000038.6 (MANE Select); coding-DNA position 2114, G replaced by C.
Protein change: p.Ser705Thr; replaces serine 705 with threonine.
Molecular consequence: missense variant.
Genome position (GRCh38, 1-based): chr5:112,837,708, G>C. VCF-style: chr5-112837708-G-C. GRCh37 (hg19) VCF-style: chr5-112173405-G-C.
Other names: c.2114G>C, p.Ser705Thr (NM_001127510.3, NM_001354895.2); c.2060G>C, p.Ser687Thr (NM_001127511.3); c.2168G>C, p.Ser723Thr (NM_001354896.2); c.2144G>C, p.Ser715Thr (NM_001354897.2); c.2039G>C, p.Ser680Thr (NM_001354898.2); c.2030G>C, p.Ser677Thr (NM_001354899.2); c.1991G>C, p.Ser664Thr (NM_001354900.2); c.1937G>C, p.Ser646Thr (NM_001354901.2); and 5 more; short protein forms S705T, S687T, S579T, S614T, S715T, S723T, S604T, S664T.
Identifiers: ClinVar variation 411408 (VCV000411408.49), dbSNP rs752874220, ClinGen allele CA16025949.
Genomic context (GRCh38, chr5:112,837,708, plus strand): 5'-GGAATCTCTCAGCAAGAAATCCTAAAGACCAGGAAGCATTATGGGACATGGGGGCAGTTA[G>C]CATGCTCAAGAACCTCATTCATTCAAAGCACAAAATGATTGCTATGGGAAGTGCTGCAGC-3'
Protein context (NP_000029.2, residues 695-715): QEALWDMGAV[Ser705Thr]MLKNLIHSKH

ClinVar aggregate classification (germline): Uncertain significance. Review status: criteria provided, multiple submitters, no conflicts (2 of 4 stars). 2 submissions from 2 submitters: Uncertain significance (2). Last evaluated 2021-06-17.

Conditions:
Familial adenomatous polyposis 1 (FAP1). Also called: FAMILIAL ADENOMATOUS POLYPOSIS 1, ATTENUATED; POLYPOSIS, ADENOMATOUS INTESTINAL. Identifiers: MedGen C2713442, MONDO:0021056, OMIM 175100. Disease mechanism: loss of function.

Submissions (2):

GeneDx
Classification: Uncertain significance. Last evaluated: 2021-06-17. Review status: criteria provided, single submitter. Criteria: GeneDx Variant Classification Process June 2021. Collection method: clinical testing. Allele origin: germline. Affected: yes.
Comment: Not observed at significant frequency in large population cohorts (Lek 2016); In silico analysis supports that this missense variant does not alter protein structure/function; Has not been previously published as pathogenic or benign to our knowledge; This variant is associated with the following publications: (PMID: 18199528)

Labcorp Genetics (formerly Invitae), Labcorp
Classification: Uncertain significance for Familial adenomatous polyposis 1. Last evaluated: 2016-08-09. Review status: criteria provided, single submitter. Criteria: Invitae Variant Classification Sherloc (09022015). Collection method: clinical testing. Allele origin: germline.
Comment: This sequence change replaces serine with threonine at codon 705 of the APC protein (p.Ser705Thr). The serine residue is highly conserved and there is a small physicochemical difference between serine and threonine. Algorithms developed to predict the effect of missense changes on protein structure and function do not agree on the potential impact of this missense change (SIFT: "Tolerated"; PolyPhen-2: "Possibly Damaging"; Align-GVGD: "Class C0"). In summary, this variant is a novel missense change with uncertain impact on protein function. It has been classified as a Variant of Uncertain Significance. This variant is not present in population databases (ExAC no frequency) and has not been reported in the literature in individuals with a APC-related disease.